The following is an entry in ClinVar:

NM_177438.3(DICER1):c.3007C>T (p.Arg1003Ter)

Gene: DICER1 (dicer 1, ribonuclease III; minus strand). Cytogenetic location: 14q32.13.
Variant type: single nucleotide variant.
Coding change: c.3007C>T on transcript NM_177438.3 (MANE Select); coding-DNA position 3007, C replaced by T.
Protein change: p.Arg1003Ter; replaces arginine 1003 with a stop codon.
Molecular consequence: nonsense.
Genome position (GRCh38, 1-based): chr14:95,105,764, G>A on the plus strand (C>T on the coding strand, the complement: DICER1 is on the minus strand). VCF-style: chr14-95105764-G-A. GRCh37 (hg19) VCF-style: chr14-95572101-G-A.
Other names: c.3007C>T, p.Arg1003Ter (NM_001195573.1, NM_001271282.3, NM_001291628.2 and 1 more transcripts); short protein forms R1003*.
Identifiers: ClinVar variation 412077 (VCV000412077.20), dbSNP rs1060503605, ClinGen allele CA16614516.

ClinVar aggregate classification (germline): Pathogenic. Review status: criteria provided, multiple submitters, no conflicts (2 of 4 stars). 7 submissions from 7 submitters: Pathogenic (7). Last evaluated 2025-07-13.

Conditions:
Pleuropulmonary blastoma (PPB). Identifiers: Orphanet 64742, MedGen C1266144, MONDO:0011014, OMIM 601200, HP:0100528.
DICER1-related tumor predisposition. Also called: DICER1-related pleuropulmonary blastoma cancer predisposition syndrome; DICER1 syndrome. Identifiers: Orphanet 284343, MedGen C3839822, MONDO:0100216.
Hereditary cancer-predisposing syndrome. Also called: Hereditary neoplastic syndrome; Neoplastic Syndromes, Hereditary; Tumor predisposition; Hereditary Cancer Syndrome. Identifiers: Orphanet 140162, MedGen C0027672, MeSH D009386, MONDO:0015356.

Allele frequency attached by ClinVar (database versions not stated): gnomAD exomes below 0.00001.
gnomAD v4.1: 3 of 1,613,982 alleles (0.00019%); highest among the groups gnomAD compares: Non-Finnish European, 0.00025%; no homozygotes.

Submissions (7):

Labcorp Genetics (formerly Invitae), Labcorp
Classification: Pathogenic for DICER1-related tumor predisposition. Last evaluated: 2025-07-13. Review status: criteria provided, single submitter. Criteria: Invitae Variant Classification Sherloc (09022015). Collection method: clinical testing. Allele origin: germline.
Comment: This sequence change creates a premature translational stop signal (p.Arg1003*) in the DICER1 gene. It is expected to result in an absent or disrupted protein product. Loss-of-function variants in DICER1 are known to be pathogenic (PMID: 19556464, 21266384). This variant is present in population databases (no rsID available, gnomAD 0.0009%). This premature translational stop signal has been observed in individual(s) with pleuropulmonary blastoma (PMID: 24675358). ClinVar contains an entry for this variant (Variation ID: 412077). For these reasons, this variant has been classified as Pathogenic.

Department of Pathology and Laboratory Medicine, Sinai Health System
Classification: Pathogenic for DICER1-related tumor predisposition. Last evaluated: 2025-01-23. Review status: criteria provided, single submitter. Criteria: ACMG Guidelines, 2015. Collection method: clinical testing. Allele origin: germline.

Ambry Genetics
Classification: Pathogenic for Hereditary cancer-predisposing syndrome. Last evaluated: 2024-11-12. Review status: criteria provided, single submitter. Criteria: Ambry Variant Classification Scheme 2023. Collection method: clinical testing. Allele origin: germline.
Comment: The p.R1003* pathogenic mutation (also known as c.3007C>T), located in coding exon 18 of the DICER1 gene, results from a C to T substitution at nucleotide position 3007. This changes the amino acid from an arginine to a stop codon within coding exon 18. This alteration was identified in multiple individuals diagnosed with sarcoma (Mullen MM et al. Gynecol Oncol Rep, 2017 May;20:121-124; Schweizer L et al. Neuropathol Appl Neurobiol, 2022 Oct;48:e12830). This alteration was also identified in an individual diagnosed with a Sertoli-Leydig cell tumor (Koo J et al. Pediatr Blood Cancer, 2020 Oct;67:e28621). In addition to the clinical data presented in the literature, this alteration is expected to result in loss of function by premature protein truncation or nonsense-mediated mRNA decay. As such, this alteration is interpreted as a disease-causing mutation.

Genomic Medicine Center of Excellence, King Faisal Specialist Hospital and Research Centre
Classification: Pathogenic for Pleuropulmonary blastoma. Last evaluated: 2024-03-29. Review status: criteria provided, single submitter. Criteria: ACMG Guidelines, 2015. Collection method: clinical testing. Allele origin: germline.

St. Jude Molecular Pathology, St. Jude Children's Research Hospital
Classification: Pathogenic for Pleuropulmonary blastoma. Last evaluated: 2023-03-27. Review status: criteria provided, single submitter. Criteria: St. Jude Assertion Criteria 2020. Collection method: clinical testing. Allele origin: germline.
Comment: The DICER1 c.3007C>T (p.Arg1003Ter) change is a nonsense variant that is predicted to cause premature protein truncation or absence of protein due to nonsense-mediated decay. This variant has been reported in multiple individuals with DICER1 syndrome (PMID: 35728810, 32729194, 28459098, internal data), including at least one individual whose tumor harbored a second pathogenic variant in the DICER1 gene. In summary, this variant meets criteria to be classified as pathogenic.

Foulkes Cancer Genetics LDI, Lady Davis Institute for Medical Research
Classification: Pathogenic for Pleuropulmonary blastoma. Last evaluated: 2019-07-01. Review status: criteria provided, single submitter. Criteria: ACMG Guidelines, 2015. Collection method: curation. Allele origin: germline, unknown. Affected: yes. Observed: 2 variant alleles.
Comment: ACMG criteria met: PVS1, PM2, PP4

PreventionGenetics, part of Exact Sciences
Classification: Pathogenic. Last evaluated: 2017-08-23. Review status: criteria provided, single submitter. Criteria: ACMG Guidelines, 2015. Collection method: clinical testing. Allele origin: germline.

Literature cited by the submitters: PubMed 19556464 (cited by Labcorp Genetics (formerly Invitae), Labcorp); PubMed 21266384 (cited by Labcorp Genetics (formerly Invitae), Labcorp); PubMed 24675358 (cited by Labcorp Genetics (formerly Invitae), Labcorp and Foulkes Cancer Genetics LDI, Lady Davis Institute for Medical Research); PubMed 35728810 (cited by Department of Pathology and Laboratory Medicine, Sinai Health System and Ambry Genetics); PubMed 32729194 (cited by Department of Pathology and Laboratory Medicine, Sinai Health System and Ambry Genetics); PubMed 28459098 (cited by 3 submitters).